The following is an entry in ClinVar:

ClinVar aggregate classification (germline): Uncertain significance (1 of 4 stars; one submission).

Conditions:
Hereditary cancer-predisposing syndrome. Also called: Hereditary neoplastic syndrome; Hereditary Cancer Syndrome; Neoplastic Syndromes, Hereditary; Tumor predisposition. Identifiers: Orphanet 140162, MedGen C0027672, MeSH D009386, MONDO:0015356.

Submission:

Ambry Genetics
Classification: Uncertain significance for Hereditary cancer-predisposing syndrome. Last evaluated: 2023-05-15. Review status: criteria provided, single submitter. Criteria: Ambry Variant Classification Scheme 2023. Collection method: clinical testing. Allele origin: germline.
Comment: The p.A940E variant (also known as c.2819C>A), located in coding exon 21 of the KIT gene, results from a C to A substitution at nucleotide position 2819. The alanine at codon 940 is replaced by glutamic acid, an amino acid with dissimilar properties. This amino acid position is conserved. In addition, this alteration is predicted to be tolerated by in silico analysis. Since supporting evidence is limited at this time, the clinical significance of this alteration remains unclear.

NM_000222.3(KIT):c.2819C>A (p.Ala940Glu)

Gene: KIT (KIT proto-oncogene, receptor tyrosine kinase; plus strand). Cytogenetic location: 4q12.
Variant type: single nucleotide variant.
Coding change: c.2819C>A on transcript NM_000222.3 (MANE Select); coding-DNA position 2819, C replaced by A.
Protein change: p.Ala940Glu; replaces alanine 940 with glutamic acid.
Molecular consequence: missense variant.
Genome position (GRCh38, 1-based): chr4:54,738,445, C>A. VCF-style: chr4-54738445-C-A. GRCh37 (hg19) VCF-style: chr4-55604611-C-A.
Other names: c.2807C>A, p.Ala936Glu (NM_001093772.2, NM_001385292.1); c.2822C>A, p.Ala941Glu (NM_001385284.1); c.2816C>A, p.Ala939Glu (NM_001385285.1); c.2804C>A, p.Ala935Glu (NM_001385286.1); c.2810C>A, p.Ala937Glu (NM_001385288.1); c.2819C>A, p.Ala940Glu (NM_001385290.1); short protein forms A935E, A939E, A936E, A937E, A940E, A941E.
Identifiers: ClinVar variation 2568311 (VCV002568311.2), dbSNP rs1723052055, ClinGen allele CA356915786.